The following is an entry in ClinVar:

ClinVar aggregate classification (germline): Pathogenic/Likely pathogenic. Review status: criteria provided, multiple submitters, no conflicts (2 of 4 stars). 2 submissions from 2 submitters: Pathogenic (1); Likely pathogenic (1). Last evaluated 2021-11-17.

Conditions:
KCNH2-related disorder. Also called: KCNH2-related condition; KCNH2-related disorders.

Submissions (2):

Blueprint Genetics
Classification: Likely pathogenic for KCNH2-related disorders. Last evaluated: 2021-11-17. Review status: criteria provided, single submitter. Criteria: ACMG Guidelines, 2015. Collection method: clinical testing. Allele origin: germline. Affected: yes. Observed: 2 variant alleles.

GeneDx
Classification: Pathogenic. Last evaluated: 2020-10-02. Review status: criteria provided, single submitter. Criteria: GeneDx Variant Classification Process June 2021. Collection method: clinical testing. Allele origin: germline. Affected: yes.
Comment: Has not been previously published as pathogenic or benign to our knowledge; Not observed in large population cohorts (Lek et al., 2016); Frameshift variant predicted to result in protein truncation or nonsense mediated decay in a gene for which loss-of-function is a known mechanism of disease

NM_000238.4(KCNH2):c.2727del (p.Pro910fs)

Gene: KCNH2 (potassium voltage-gated channel subfamily H member 2; minus strand). Cytogenetic location: 7q36.1.
Variant type: Deletion.
Coding change: c.2727del on transcript NM_000238.4 (MANE Select); coding-DNA position 2727, one base deleted (G; older notation c.2727delG).
Protein change: p.Pro910fs; shifts the reading frame from proline 910.
Molecular consequence: frameshift variant.
Genome position (GRCh38, 1-based): chr7:150,947,844, C deleted on the plus strand (G on the coding strand, the reverse complement: KCNH2 is on the minus strand); the first of 4 consecutive C bases (chr7:150,947,844-150,947,847); deleting any one gives the same sequence. VCF-style (leftmost placement, unchanged base first): chr7-150947843-GC-G. GRCh37 (hg19) VCF-style: chr7-150644931-GC-G.
Other names: c.2727delG (NM_000238.2); c.2439del, p.Pro814fs (NM_001406753.1); c.1707del, p.Pro570fs (NM_172057.3); short protein forms P570fs, P910fs, P814fs.
Identifiers: ClinVar variation 200662 (VCV000200662.6), dbSNP rs794728450, ClinGen allele CA007221.